The following is an entry in ClinVar:

ClinVar aggregate classification (germline): Likely pathogenic (1 of 4 stars; one submission).

Submission:

CeGaT Center for Human Genetics Tuebingen
Classification: Likely pathogenic. Last evaluated: 2022-11-01. Review status: criteria provided, single submitter. Criteria: CeGaT Center For Human Genetics Tuebingen Variant Classification Criteria Version 2. Collection method: clinical testing. Allele origin: germline. Affected: yes. Observed: 1 variant allele.
Comment: SPEG: PVS1:Strong, PM2

NM_005876.5(SPEG):c.9502G>T (p.Glu3168Ter)

Genes: ASIC4-AS1 (ASIC4 antisense RNA 1; minus strand), SPEG (striated muscle enriched protein kinase; plus strand). Cytogenetic location: 2q35.
Variant type: single nucleotide variant.
Coding change: c.9502G>T on transcript NM_005876.5 (MANE Select); coding-DNA position 9502, G replaced by T.
Protein change: p.Glu3168Ter; replaces glutamic acid 3168 with a stop codon.
Molecular consequence: nonsense.
Genome position (GRCh38, 1-based): chr2:219,492,151, G>T. VCF-style: chr2-219492151-G-T. GRCh37 (hg19) VCF-style: chr2-220356873-G-T.
Other names: short protein forms E3168*.
Identifiers: ClinVar variation 1879521 (VCV001879521.29), dbSNP rs2546034994, ClinGen allele CA350718429.